The following is an entry in ClinVar:

NM_004958.4(MTOR):c.3830A>G (p.Lys1277Arg)

Gene: MTOR (mechanistic target of rapamycin kinase; minus strand). Cytogenetic location: 1p36.22.
Variant type: single nucleotide variant.
Coding change: c.3830A>G on transcript NM_004958.4 (MANE Select); coding-DNA position 3830, A replaced by G.
Protein change: p.Lys1277Arg; replaces lysine 1277 with arginine.
Molecular consequence: missense variant.
Genome position (GRCh38, 1-based): chr1:11,204,675, T>C on the plus strand (A>G on the coding strand, the complement: MTOR is on the minus strand). VCF-style: chr1-11204675-T-C. GRCh37 (hg19) VCF-style: chr1-11264732-T-C.
Other names: short protein forms K1277R.
Identifiers: ClinVar variation 934600 (VCV000934600.9), dbSNP rs1646081984, ClinGen allele CA338393953.

ClinVar aggregate classification (germline): Uncertain significance (1 of 4 stars; one submission).

Submission:

Labcorp Genetics (formerly Invitae), Labcorp
Classification: Uncertain significance. Last evaluated: 2022-03-23. Review status: criteria provided, single submitter. Criteria: Invitae Variant Classification Sherloc (09022015). Collection method: clinical testing. Allele origin: germline.
Comment: In summary, the available evidence is currently insufficient to determine the role of this variant in disease. Therefore, it has been classified as a Variant of Uncertain Significance. This sequence change replaces lysine, which is basic and polar, with arginine, which is basic and polar, at codon 1277 of the MTOR protein (p.Lys1277Arg). This variant is not present in population databases (gnomAD no frequency). This variant has not been reported in the literature in individuals affected with MTOR-related conditions. ClinVar contains an entry for this variant (Variation ID: 934600). Advanced modeling of protein sequence and biophysical properties (such as structural, functional, and spatial information, amino acid conservation, physicochemical variation, residue mobility, and thermodynamic stability) performed at Invitae indicates that this missense variant is not expected to disrupt MTOR protein function.